The following is an entry in ClinVar:

NM_001018113.3(FANCB):c.1811G>A (p.Arg604Lys)

Gene: FANCB (FA complementation group B; minus strand). Cytogenetic location: Xp22.2.
Variant type: single nucleotide variant.
Coding change: c.1811G>A on transcript NM_001018113.3 (MANE Select); coding-DNA position 1811, G replaced by A.
Protein change: p.Arg604Lys; replaces arginine 604 with lysine.
Molecular consequence: missense variant.
Genome position (GRCh38, 1-based): chrX:14,844,972, C>T on the plus strand (G>A on the coding strand, the complement: FANCB is on the minus strand). VCF-style: chrX-14844972-C-T. GRCh37 (hg19) VCF-style: chrX-14863094-C-T.
Other names: c.1811G>A, p.Arg604Lys (NM_001324162.2, NM_001410764.1, NM_152633.4); short protein forms R604K.
Identifiers: ClinVar variation 4767250 (VCV004767250.1).

ClinVar aggregate classification (germline): Uncertain significance (1 of 4 stars; one submission).

Conditions:
Fanconi anemia (FA). Also called: Fanconi's anemia. Identifiers: Orphanet 84, MedGen C0015625, MeSH D005199, MONDO:0019391.

Submission:

Labcorp Genetics (formerly Invitae), Labcorp
Classification: Uncertain significance for Fanconi anemia. Last evaluated: 2025-12-01. Review status: criteria provided, single submitter. Criteria: Invitae Variant Classification Sherloc (09022015). Collection method: clinical testing. Allele origin: germline.
Comment: This sequence change replaces arginine, which is basic and polar, with lysine, which is basic and polar, at codon 604 of the FANCB protein (p.Arg604Lys). This variant is not present in population databases (gnomAD no frequency). This variant has not been reported in the literature in individuals affected with FANCB-related conditions. Invitae Evidence Modeling of protein sequence and biophysical properties (such as structural, functional, and spatial information, amino acid conservation, physicochemical variation, residue mobility, and thermodynamic stability) indicates that this missense variant is not expected to disrupt FANCB protein function with a negative predictive value of 80%. In summary, the available evidence is currently insufficient to determine the role of this variant in disease. Therefore, it has been classified as a Variant of Uncertain Significance.